The following is an entry in ClinVar:

NM_001079668.3(NKX2-1):c.848A>T (p.Gln283Leu)

Genes: NKX2-1 (NK2 homeobox 1; minus strand), SFTA3 (surfactant associated 3; minus strand). Cytogenetic location: 14q13.3.
Variant type: single nucleotide variant.
Coding change: c.848A>T on transcript NM_001079668.3 (MANE Select); coding-DNA position 848, A replaced by T.
Protein change: p.Gln283Leu; replaces glutamine 283 with leucine.
Molecular consequence: missense variant.
Genome position (GRCh38, 1-based): chr14:36,517,636, T>A on the plus strand (A>T on the coding strand, the complement: NKX2-1 is on the minus strand). VCF-style: chr14-36517636-T-A. GRCh37 (hg19) VCF-style: chr14-36986841-T-A.
Other names: c.758A>T, p.Gln253Leu (NM_003317.4); short protein forms Q283L, Q253L.
Identifiers: ClinVar variation 2883935 (VCV002883935.3), dbSNP rs991740169, ClinGen allele CA258877912.

ClinVar aggregate classification (germline): Uncertain significance (1 of 4 stars; one submission).

Allele frequency attached by ClinVar (database versions not stated): gnomAD exomes below 0.00001; gnomAD 0.00001; TOPMed 0.00001.

Submission:

Labcorp Genetics (formerly Invitae), Labcorp
Classification: Uncertain significance. Last evaluated: 2023-03-30. Review status: criteria provided, single submitter. Criteria: Invitae Variant Classification Sherloc (09022015). Collection method: clinical testing. Allele origin: germline.
Comment: An algorithm developed to predict the effect of missense changes on protein structure and function (PolyPhen-2) suggests that this variant is likely to be disruptive. In summary, the available evidence is currently insufficient to determine the role of this variant in disease. Therefore, it has been classified as a Variant of Uncertain Significance. This variant has not been reported in the literature in individuals affected with NKX2-1-related conditions. This variant is present in population databases (no rsID available, gnomAD 0.01%). This sequence change replaces glutamine, which is neutral and polar, with leucine, which is neutral and non-polar, at codon 283 of the NKX2-1 protein (p.Gln283Leu).